The following is an entry in ClinVar:

ClinVar aggregate classification (germline): Uncertain significance. Review status: criteria provided, multiple submitters, no conflicts (2 of 4 stars). 2 submissions from 2 submitters: Uncertain significance (2). Last evaluated 2024-04-12.

Conditions:
Inborn genetic diseases. Identifiers: MedGen C0950123, MeSH D030342.

Allele frequency attached by ClinVar (database versions not stated): gnomAD exomes below 0.00001; ExAC 0.00001; TOPMed 0.00001; ESP Exome Variant Server 0.00008.
gnomAD v4.1: 2 of 1,613,732 alleles (0.00012%); highest among the groups gnomAD compares: Admixed American, 0.0017%; no homozygotes.

Submissions (2):

Ambry Genetics
Classification: Uncertain significance for Inborn genetic diseases. Last evaluated: 2024-04-12. Review status: criteria provided, single submitter. Criteria: Ambry Variant Classification Scheme 2023. Collection method: clinical testing. Allele origin: germline.

Labcorp Genetics (formerly Invitae), Labcorp
Classification: Uncertain significance. Last evaluated: 2024-03-20. Review status: criteria provided, single submitter. Criteria: Invitae Variant Classification Sherloc (09022015). Collection method: clinical testing. Allele origin: germline.
Comment: This sequence change replaces proline, which is neutral and non-polar, with arginine, which is basic and polar, at codon 1277 of the ARID1B protein (p.Pro1277Arg). This variant is present in population databases (rs374517532, gnomAD 0.0009%). This variant has not been reported in the literature in individuals affected with ARID1B-related conditions. Advanced modeling of protein sequence and biophysical properties (such as structural, functional, and spatial information, amino acid conservation, physicochemical variation, residue mobility, and thermodynamic stability) has been performed at Invitae for this missense variant, however the output from this modeling did not meet the statistical confidence thresholds required to predict the impact of this variant on ARID1B protein function. In summary, the available evidence is currently insufficient to determine the role of this variant in disease. Therefore, it has been classified as a Variant of Uncertain Significance.

NM_001374828.1(ARID1B):c.4199C>G (p.Pro1400Arg)

Gene: ARID1B (AT-rich interaction domain 1B; plus strand). Cytogenetic location: 6q25.3.
Variant type: single nucleotide variant.
Coding change: c.4199C>G on transcript NM_001374828.1 (MANE Select); coding-DNA position 4199, C replaced by G.
Protein change: p.Pro1400Arg; replaces proline 1400 with arginine.
Molecular consequence: missense variant.
Genome position (GRCh38, 1-based): chr6:157,190,178, C>G. VCF-style: chr6-157190178-C-G. GRCh37 (hg19) VCF-style: chr6-157511312-C-G.
Other names: c.4040C>G, p.Pro1347Arg (NM_017519.3); c.3830C>G, p.Pro1277Arg (NM_020732.3); c.3617C>G, p.Pro1206Arg (NM_175863.2); c.3950C>G, p.Pro1317Arg (NM_001346813.1); c.1700C>G, p.Pro567Arg (NM_001363725.2); c.4079C>G, p.Pro1360Arg (NM_001371656.1, NM_001374820.1); short protein forms P1317R, P567R, P1277R, P1360R, P1400R, P1206R, P1347R.
Identifiers: ClinVar variation 2730251 (VCV002730251.4), dbSNP rs374517532, ClinGen allele CA4067548.